The following is an entry in ClinVar:

ClinVar aggregate classification (germline): Uncertain significance. Review status: criteria provided, multiple submitters, no conflicts (2 of 4 stars). 2 submissions from 2 submitters: Uncertain significance (2). Last evaluated 2025-01-06.

Conditions:
Early-infantile DEE. Also called: Ohtahara syndrome; Early infantile epileptic encephalopathy with suppression bursts; Early infantile epileptic encephalopathy. Identifiers: Orphanet 1934, MedGen C0393706, MONDO:0800491.

Allele frequency attached by ClinVar (database versions not stated): gnomAD exomes below 0.00001; gnomAD 0.00001; TOPMed 0.00002.

Submissions (2):

Labcorp Genetics (formerly Invitae), Labcorp
Classification: Uncertain significance for Early-infantile DEE. Last evaluated: 2025-01-06. Review status: criteria provided, single submitter. Criteria: Invitae Variant Classification Sherloc (09022015). Collection method: clinical testing. Allele origin: germline.
Comment: This sequence change replaces arginine, which is basic and polar, with lysine, which is basic and polar, at codon 27 of the SCN8A protein (p.Arg27Lys). This variant is present in population databases (no rsID available, gnomAD 0.003%). This variant has not been reported in the literature in individuals affected with SCN8A-related conditions. ClinVar contains an entry for this variant (Variation ID: 1051925). Invitae Evidence Modeling of protein sequence and biophysical properties (such as structural, functional, and spatial information, amino acid conservation, physicochemical variation, residue mobility, and thermodynamic stability) indicates that this missense variant is not expected to disrupt SCN8A protein function with a negative predictive value of 95%. In summary, the available evidence is currently insufficient to determine the role of this variant in disease. Therefore, it has been classified as a Variant of Uncertain Significance.

Women's Health and Genetics/Laboratory Corporation of America, LabCorp
Classification: Uncertain significance. Last evaluated: 2023-12-20. Review status: criteria provided, single submitter. Criteria: LabCorp Variant Classification Summary - May 2015. Collection method: clinical testing. Allele origin: germline.
Comment: Variant summary: SCN8A c.80G>A (p.Arg27Lys) results in a conservative amino acid change in the encoded protein sequence. Four of five in-silico tools predict a benign effect of the variant on protein function. The variant allele was found at a frequency of 4e-06 in 248738 control chromosomes. The available data on variant occurrences in the general population are insufficient to allow any conclusion about variant significance. To our knowledge, no occurrence of c.80G>A in individuals affected with Early Infantile Epileptic Encephalopathy 13 and no experimental evidence demonstrating its impact on protein function have been reported. One submitter has cited clinical-significance assessments for this variant to ClinVar after 2014 and has classified the variant as uncertain significance. Based on the evidence outlined above, the variant was classified as uncertain significance.

NM_001330260.2(SCN8A):c.80G>A (p.Arg27Lys)

Genes: SCN8A (sodium voltage-gated channel alpha subunit 8; plus strand), LOC114803470 (SCN8A eExon liver enhancer; plus strand). Cytogenetic location: 12q13.13.
Variant type: single nucleotide variant.
Coding change: c.80G>A on transcript NM_001330260.2 (MANE Select); coding-DNA position 80, G replaced by A.
Protein change: p.Arg27Lys; replaces arginine 27 with lysine.
Molecular consequence: missense variant.
Genome position (GRCh38, 1-based): chr12:51,662,897, G>A. VCF-style: chr12-51662897-G-A. GRCh37 (hg19) VCF-style: chr12-52056681-G-A.
Other names: c.80G>A, p.Arg27Lys (NM_001177984.3, NM_001369788.1, NM_014191.4); short protein forms R27K.
Identifiers: ClinVar variation 1051925 (VCV001051925.11), dbSNP rs1303731165, ClinGen allele CA385227624.